The following is an entry in ClinVar:

NM_002907.4(RECQL):c.1780A>T (p.Thr594Ser)

Genes: PYROXD1 (pyridine nucleotide-disulphide oxidoreductase domain 1; plus strand), RECQL (RecQ like helicase; minus strand). Cytogenetic location: 12p12.1.
Variant type: single nucleotide variant.
Coding change: c.1780A>T on transcript NM_002907.4 (MANE Select); coding-DNA position 1780, A replaced by T.
Protein change: p.Thr594Ser; replaces threonine 594 with serine.
Molecular consequence: missense variant. On other transcripts: 3 prime UTR variant (3).
Genome position (GRCh38, 1-based): chr12:21,470,986, T>A on the plus strand (A>T on the coding strand, the complement: RECQL is on the minus strand). VCF-style: chr12-21470986-T-A. GRCh37 (hg19) VCF-style: chr12-21623920-T-A.
Other names: c.1780A>T, p.Thr594Ser (NM_032941.3); c.*2232T>A (NM_001350912.2, NM_001350913.2, NM_024854.5); short protein forms T594S.
Identifiers: ClinVar variation 999283 (VCV000999283.14), dbSNP rs377013226, ClinGen allele CA6478654.
Genomic context (GRCh38, chr12:21,470,986, plus strand): 5'-TACTTTTTAAAATATATAAAACTGAAAATTAATAGCCATTTACCCTGAAAGAGTTCTGCG[T>A]GGACTTTGTCACTTGCATAGTAATAGCATGTGCCTCATTGTTCAGAAGATTAGCTTTAGG-3'
Protein context (NP_002898.2, residues 584-604): HAITMQVTKS[Thr594Ser]QNSFRAESSQ

ClinVar aggregate classification (germline): Uncertain significance. Review status: criteria provided, multiple submitters, no conflicts (2 of 4 stars). 3 submissions from 3 submitters: Uncertain significance (3). Last evaluated 2025-07-02.

Allele frequency attached by ClinVar (database versions not stated): gnomAD 0.00002 and 0.00003; TOPMed 0.00003; ExAC 0.00005; gnomAD exomes 0.00005; ESP Exome Variant Server 0.00008.
gnomAD v4.1: 47 of 1,556,044 alleles (0.003%); highest among the groups gnomAD compares: South Asian, 0.0012%; no homozygotes.

Submissions (3):

Ambry Genetics
Classification: Uncertain significance. Last evaluated: 2025-07-02. Review status: criteria provided, single submitter. Criteria: Ambry Variant Classification Scheme 2023. Collection method: clinical testing. Allele origin: germline.

Labcorp Genetics (formerly Invitae), Labcorp
Classification: Uncertain significance. Last evaluated: 2024-09-02. Review status: criteria provided, single submitter. Criteria: Invitae Variant Classification Sherloc (09022015). Collection method: clinical testing. Allele origin: germline.
Comment: This sequence change replaces threonine, which is neutral and polar, with serine, which is neutral and polar, at codon 594 of the RECQL protein (p.Thr594Ser). This variant is present in population databases (rs377013226, gnomAD 0.1%), and has an allele count higher than expected for a pathogenic variant. This variant has not been reported in the literature in individuals affected with RECQL-related conditions. ClinVar contains an entry for this variant (Variation ID: 999283). Invitae Evidence Modeling of protein sequence and biophysical properties (such as structural, functional, and spatial information, amino acid conservation, physicochemical variation, residue mobility, and thermodynamic stability) indicates that this missense variant is not expected to disrupt RECQL protein function with a negative predictive value of 80%. In summary, the available evidence is currently insufficient to determine the role of this variant in disease. Therefore, it has been classified as a Variant of Uncertain Significance.

GeneDx
Classification: Uncertain significance. Last evaluated: 2024-02-13. Review status: criteria provided, single submitter. Criteria: GeneDx Variant Classification Process June 2021. Collection method: clinical testing. Allele origin: germline. Affected: yes.
Comment: In silico analysis supports that this missense variant does not alter protein structure/function; Has not been previously published as pathogenic or benign to our knowledge; Variants in candidate genes are classified as variants of uncertain significance in accordance with ACMG guidelines (PMID: 25741868); This variant is associated with the following publications: (PMID: 27248010, 23396353)